The following is an entry in ClinVar:

NM_001267550.2(TTN):c.85008_85011del (p.Glu28338fs)

Genes: TTN (titin; minus strand), TTN-AS1 (TTN antisense RNA 1; plus strand). Cytogenetic location: 2q31.2.
Variant type: Deletion.
Coding change: c.85008_85011del on transcript NM_001267550.2 (MANE Select); coding-DNA positions 85008 to 85011, 4 bases deleted (TAGT; older notation c.85008_85011delTAGT).
Protein change: p.Glu28338fs; shifts the reading frame from glutamic acid 28338.
Molecular consequence: frameshift variant.
Genome position (GRCh38, 1-based): chr2:178,561,121-178,561,124, ACTA deleted on the plus strand (TAGT on the coding strand, the reverse complement: TTN is on the minus strand); deleting any 4 consecutive bases within chr2:178,561,121-178,561,127 gives the same sequence; the c. name uses the placement nearest the transcript's 3' end. VCF-style (leftmost placement, unchanged base first): chr2-178561120-CACTA-C. GRCh37 (hg19) VCF-style: chr2-179425847-CACTA-C.
Other names: c.85008_85011delTAGT (LRG_391t1); c.85008_85011del (NM_001267550.1); c.80085_80088del, p.Glu26697fs (NM_001256850.1); c.57813_57816del, p.Glu19273fs (NM_003319.4); c.77304_77307del, p.Glu25770fs (NM_133378.4); c.58188_58191del, p.Glu19398fs (NM_133432.3); c.58389_58392del, p.Glu19465fs (NM_133437.4); short protein forms E19465fs, E28338fs, E25770fs, E26697fs, E19273fs, E19398fs.
Identifiers: ClinVar variation 223352 (VCV000223352.18), dbSNP rs869312100, ClinGen allele CA353221.
Genomic context (GRCh38, chr2:178,561,120, plus strand): 5'-TAACTCTTGGAGGCTCAACATCATCTTTAACTATAATAGGCCCAGTGGATTCAGATGGCT[CACTA>C]ACTGAGTCAGCAGCATTCCTTGCAAAAACCCGGAATTCATAACGCTGATCTTCAGTAAGT-3'

ClinVar aggregate classification (germline): Pathogenic/Likely pathogenic. Review status: criteria provided, multiple submitters, no conflicts (2 of 4 stars). 6 submissions from 6 submitters: Pathogenic (4); Likely pathogenic (1). 1 of the submissions does not count toward it. Last evaluated 2025-12-11.

Conditions:
Myopathy, myofibrillar, 9, with early respiratory failure (MFM9). Also called: Hereditary myopathy with early respiratory failure; EDSTROM MYOPATHY; MYOPATHY, PROXIMAL, WITH EARLY RESPIRATORY MUSCLE INVOLVEMENT; Myopathy, distal, with early respiratory failure, autosomal dominant. Identifiers: Orphanet 178464, Orphanet 34521, MedGen C1863599, MONDO:0011362, OMIM 603689.
Tibial muscular dystrophy (TMD). Also called: Tibial muscular dystrophy, tardive; UDD MYOPATHY; Udd Distal Myopathy – Tibial Muscular Dystrophy. Identifiers: Orphanet 609, MedGen C1838244, MONDO:0010870, OMIM 600334.
Autosomal recessive limb-girdle muscular dystrophy type 2J (LGMDR10). Also called: Limb-girdle muscular dystrophy, type 2J; MUSCULAR DYSTROPHY, LIMB-GIRDLE, AUTOSOMAL RECESSIVE 10. Identifiers: Orphanet 140922, MedGen C1837342, MONDO:0012127, OMIM 608807.
Dilated cardiomyopathy 1G (CMD1G). Identifiers: Orphanet 154, MedGen C1858763, MONDO:0011400, OMIM 604145.
Hypertrophic cardiomyopathy 9. Also called: Familial hypertrophic cardiomyopathy 9. Identifiers: MedGen C1861065, MONDO:0013412, OMIM 613765.
Early-onset myopathy with fatal cardiomyopathy (CMYO5). Also called: Salih Myopathy; CONGENITAL MYOPATHY 5 WITH CARDIOMYOPATHY. Identifiers: Orphanet 289377, MedGen C2673677, MONDO:0012714, OMIM 611705. Disease mechanism: loss of function.
Primary dilated cardiomyopathy (DCM). Also called: Dilated Cardiomyopathy. Identifiers: Orphanet 217604, MedGen C0007193, MeSH D002311, MONDO:0005021, HP:0001644. Inheritance: Various modes of inheritance.

Submissions (6):

3billion
Classification: Pathogenic for Dilated cardiomyopathy 1G. Last evaluated: 2025-12-11. Review status: criteria provided, single submitter. Criteria: ACMG Guidelines, 2015. Collection method: clinical testing. Allele origin: germline. Affected: yes.
Comment: The variant is observed at an extremely low frequency in the gnomAD v4.1.0 dataset (total allele frequency: <0.001%). Predicted Consequence/Location: Frameshift: predicted to result in a loss or disruption of normal protein function through nonsense-mediated decay (NMD) or protein truncation. Multiple pathogenic variants are reported downstream of the variant. The variant has been reported at least twice as pathogenic without evidence for the classification (ClinVar ID: VCV000223352 /3billion dataset). Therefore, this variant is classified as Pathogenic according to the recommendation of ACMG/AMP guideline.

Labcorp Genetics (formerly Invitae), Labcorp
Classification: Pathogenic for Dilated cardiomyopathy 1G; Autosomal recessive limb-girdle muscular dystrophy type 2J. Last evaluated: 2025-10-05. Review status: criteria provided, single submitter. Criteria: Invitae Variant Classification Sherloc (09022015). Collection method: clinical testing. Allele origin: germline.
Comment: This sequence change creates a premature translational stop signal (p.Glu28338Hisfs*9) in the TTN gene. While this is not anticipated to result in nonsense mediated decay, it is expected to create a truncated TTN protein. This variant is not present in population databases (gnomAD no frequency). This premature translational stop signal has been observed in individual(s) with clinical features of autosomal recessive distal titinopathy (PMID: 26627873, 27796757). It has also been observed to segregate with disease in related individuals. ClinVar contains an entry for this variant (Variation ID: 223352). This variant is located in the A band of TTN (PMID: 25589632). Truncating variants in this region are significantly overrepresented in patients affected with dilated cardiomyopathy (PMID: 25589632). Truncating variants in this region have also been reported in individuals affected with autosomal recessive centronuclear myopathy (PMID: 23975875). For these reasons, this variant has been classified as Pathogenic.

GeneDx
Classification: Pathogenic. Last evaluated: 2025-09-25. Review status: criteria provided, single submitter. Criteria: GeneDx Variant Classification Process June 2021. Collection method: clinical testing. Allele origin: germline. Affected: yes.
Comment: Frameshift variant predicted to result in protein truncation or nonsense mediated decay in a gene for which loss of function is a known mechanism of disease; Located in the A-band, a region of TTN for which truncating variants are significantly associated with autosomal dominant cardiomyopathy and also with autosomal recessive skeletal myopathies (PMID: 22335739, 32778822); Identified in an individual with dilated cardiomyopathy in the published literature (PMID: 33941202); Reported in a proband with distal myopathy who also harbored a missense variant in the TTN gene; however, segregation data was not provided (PMID: 26627873); Not observed at significant frequency in large population cohorts (gnomAD); This variant is associated with the following publications: (PMID: 25589632, 27796757, 37728764, 22335739, 32778822, 26627873, 33941202)

ARUP Laboratories, Molecular Genetics and Genomics, ARUP Laboratories
Classification: Pathogenic. Last evaluated: 2025-06-11. Review status: criteria provided, single submitter. Criteria: ARUP Molecular Germline Variant Investigation Process 2024. Collection method: clinical testing. Allele origin: germline.
Comment: The TTN c.85008_85011del; p.Glu28338HisfsTer9 variant (rs869312100, ClinVar Variation ID: 223352) is reported in the literature in multiple individuals affected with dilated cardiomyopathy (Roberts 2015, Li 2021). This variant is absent from the Genome Aggregation Database (v2.1.1), indicating it is not a common polymorphism. This variant causes a frameshift by deleting four nucleotides, so it is predicted to result in a truncated protein or mRNA subject to nonsense-mediated decay. This variant is in an exon that is spliced into 100% of TTN transcripts and encodes a segment of the A-band, which is a region that is enriched for pathogenic truncating variants in individuals with dilated cardiomyopathy (Roberts 2015, Herman 2012). Based on available information, this variant is considered to be pathogenic. References: Roberts AM et al. Integrated allelic, transcriptional, and phenomic dissection of the cardiac effects of titin truncations in health and disease. Sci Transl Med. 2015 Li M et al. Genetic analysis using targeted next-generation sequencing of sporadic Chinese patients with idiopathic dilated cardiomyopathy. J Transl Med. 2021 May 3;19(1):189. PMID: 33941202 Herman DS et al. Truncations of titin causing dilated cardiomyopathy. N Engl J Med. 2012 Feb 16;366(7):619-28. PMID: 22335739. Linke WA and Hamdani N. Gigantic business: titin properties and function through thick and thin. Circ Res 2014; 114(6): 1052-1068. PMID: 24625729.

Juno Genomics, Hangzhou Juno Genomics, Inc
Classification: Likely pathogenic for Early-onset myopathy with fatal cardiomyopathy; Dilated cardiomyopathy 1G; Hypertrophic cardiomyopathy 9; Autosomal recessive limb-girdle muscular dystrophy type 2J; Myopathy, myofibrillar, 9, with early respiratory failure; Tibial muscular dystrophy. Review status: criteria provided, single submitter. Criteria: ACMG Guidelines, 2015. Collection method: clinical testing. Allele origin: germline.
Comment: Null variant in a gene where loss of function (LOF) is a known mechanism of disease.

Cardiovascular Biomedical Research Unit, Royal Brompton & Harefield NHS Foundation Trust
Classification: Uncertain significance for Primary dilated cardiomyopathy. Last evaluated: 2014-10-08. Review status: flagged submission. Criteria: Roberts et al. 2015. Collection method: research. Allele origin: germline. Inheritance: Autosomal dominant inheritance. Affected: no. Observed: 1 variant allele. Study: JHS cohort. Not counted in ClinVar's aggregate classification.
Comment: In the seven cohorts assessed, TTNtv were found in 14% of ambulant DCM, 22% end-stage or familial DCM, and 2% controls. Heterozygous nonsense, frameshift and canonical splice-disrupting variants found in constitutive and other highly utilised exons are highly likely to be pathogenic when identified in individuals with phenotypically confirmed DCM. TTNtv found incidentally in healthy individuals (excluding familial assessment of DCM relatives) are thought to have low penetrance, particularly when identified in exons that are not constitutively expressed in the heart.
ClinVar note: Reason: Older and outlier claim with insufficient supporting evidence

Literature cited by the submitters: PubMed 26627873 (cited by Labcorp Genetics (formerly Invitae), Labcorp); PubMed 27796757 (cited by Labcorp Genetics (formerly Invitae), Labcorp); PubMed 25589632 (cited by Labcorp Genetics (formerly Invitae), Labcorp); PubMed 23975875 (cited by Labcorp Genetics (formerly Invitae), Labcorp).